The following is an entry in ClinVar:

ClinVar aggregate classification (germline): Uncertain significance. Review status: criteria provided, multiple submitters, no conflicts (2 of 4 stars). 2 submissions from 2 submitters: Uncertain significance (2). Last evaluated 2024-12-24.

Conditions:
Inborn genetic diseases. Identifiers: MedGen C0950123, MeSH D030342.

Allele frequency attached by ClinVar (database versions not stated): TOPMed below 0.00001; gnomAD exomes 0.00001.
gnomAD v4.1: 11 of 1,614,066 alleles (0.00068%); highest among the groups gnomAD compares: Admixed American, 0.0033%; no homozygotes.

Submissions (2):

Ambry Genetics
Classification: Uncertain significance for Inborn genetic diseases. Last evaluated: 2024-12-24. Review status: criteria provided, single submitter. Criteria: Ambry Variant Classification Scheme 2023. Collection method: clinical testing. Allele origin: germline.

GeneDx
Classification: Uncertain significance. Last evaluated: 2023-01-03. Review status: criteria provided, single submitter. Criteria: GeneDx Variant Classification Process June 2021. Collection method: clinical testing. Allele origin: germline. Affected: yes.
Comment: Not observed at significant frequency in large population cohorts (gnomAD); In silico analysis supports that this missense variant has a deleterious effect on protein structure/function; Has not been previously published as pathogenic or benign to our knowledge

NM_001098.3(ACO2):c.1672G>A (p.Val558Met)

Genes: ACO2 (aconitase 2; plus strand), LOC130067544 (ATAC-STARR-seq lymphoblastoid active region 19118; plus strand). Cytogenetic location: 22q13.2.
Variant type: single nucleotide variant.
Coding change: c.1672G>A on transcript NM_001098.3 (MANE Select); coding-DNA position 1672, G replaced by A.
Protein change: p.Val558Met; replaces valine 558 with methionine.
Molecular consequence: missense variant.
Genome position (GRCh38, 1-based): chr22:41,525,259, G>A. VCF-style: chr22-41525259-G-A. GRCh37 (hg19) VCF-style: chr22-41921263-G-A.
Other names: short protein forms V558M.
Identifiers: ClinVar variation 2507038 (VCV002507038.2), dbSNP rs1052489466, ClinGen allele CA324580827.